The following is an entry in ClinVar:

NM_152393.4(KLHL40):c.1292C>A (p.Ser431Ter)

Gene: KLHL40 (kelch like family member 40; plus strand). Cytogenetic location: 3p22.1.
Variant type: single nucleotide variant.
Coding change: c.1292C>A on transcript NM_152393.4 (MANE Select); coding-DNA position 1292, C replaced by A.
Protein change: p.Ser431Ter; replaces serine 431 with a stop codon.
Molecular consequence: nonsense.
Genome position (GRCh38, 1-based): chr3:42,688,281, C>A. VCF-style: chr3-42688281-C-A. GRCh37 (hg19) VCF-style: chr3-42729773-C-A.
Other names: short protein forms S431*.
Identifiers: ClinVar variation 2176697 (VCV002176697.4), dbSNP rs545767433, ClinGen allele CA352293636.
Genomic context (GRCh38, chr3:42,688,281, plus strand): 5'-TCAACTCCATCTACGTGGTCGGTGGCAGAGAGATCAAGGACGGCGAGCGCTGCCTGGACT[C>A]GGTCATGTGCTACGACAGGCTGTGAGCATGGCTGGGGTGGGGCTGAGCTCCGTGGGGGTG-3'

ClinVar aggregate classification (germline): Pathogenic (1 of 4 stars; one submission).

Conditions:
Nemaline myopathy 8 (NEM8). Also called: Nemaline myopathy 8, autosomal recessive. Identifiers: Orphanet 171430, MedGen C3809209, MONDO:0014138, OMIM 615348.

Submission:

Labcorp Genetics (formerly Invitae), Labcorp
Classification: Pathogenic for Nemaline myopathy 8. Last evaluated: 2023-10-25. Review status: criteria provided, single submitter. Criteria: Invitae Variant Classification Sherloc (09022015). Collection method: clinical testing. Allele origin: germline.
Comment: This sequence change creates a premature translational stop signal (p.Ser431*) in the KLHL40 gene. It is expected to result in an absent or disrupted protein product. Loss-of-function variants in KLHL40 are known to be pathogenic (PMID: 23746549). This variant is not present in population databases (gnomAD no frequency). This variant has not been reported in the literature in individuals affected with KLHL40-related conditions. ClinVar contains an entry for this variant (Variation ID: 2176697). Algorithms developed to predict the effect of sequence changes on RNA splicing suggest that this variant may disrupt the consensus splice site. For these reasons, this variant has been classified as Pathogenic.

Literature cited by the submitters: PubMed 23746549.